The following is an entry in ClinVar:

ClinVar aggregate classification (germline): Uncertain significance (1 of 4 stars; one submission).

Conditions:
Immunodeficiency 19 (IMD19). Also called: CD3-DELTA DEFICIENCY; SEVERE COMBINED IMMUNODEFICIENCY, T CELL-NEGATIVE, B CELL-POSITIVE, NK CELL-POSITIVE; SCID, T CELL-NEGATIVE, B CELL-POSITIVE, NK CELL-POSITIVE; IMMUNODEFICIENCY 19, SEVERE COMBINED. Identifiers: MedGen C3810147, MONDO:0014280, OMIM 615617.

Allele frequency attached by ClinVar (database versions not stated): gnomAD 0.00001; TOPMed 0.00002.

Submission:

Labcorp Genetics (formerly Invitae), Labcorp
Classification: Uncertain significance for Immunodeficiency 19. Last evaluated: 2021-08-27. Review status: criteria provided, single submitter. Criteria: Invitae Variant Classification Sherloc (09022015). Collection method: clinical testing. Allele origin: germline.
Comment: This sequence change replaces glycine with aspartic acid at codon 106 of the CD3D protein (p.Gly106Asp). The glycine residue is highly conserved and there is a moderate physicochemical difference between glycine and aspartic acid. This variant is not present in population databases (ExAC no frequency). This variant has not been reported in the literature in individuals affected with CD3D-related conditions. Algorithms developed to predict the effect of missense changes on protein structure and function (SIFT, PolyPhen-2, Align-GVGD) all suggest that this variant is likely to be disruptive. In summary, the available evidence is currently insufficient to determine the role of this variant in disease. Therefore, it has been classified as a Variant of Uncertain Significance.

NM_000732.6(CD3D):c.317G>A (p.Gly106Asp)

Gene: CD3D (CD3 delta subunit of T-cell receptor complex; minus strand). Cytogenetic location: 11q23.3.
Variant type: single nucleotide variant.
Coding change: c.317G>A on transcript NM_000732.6 (MANE Select); coding-DNA position 317, G replaced by A.
Protein change: p.Gly106Asp; replaces glycine 106 with aspartic acid.
Molecular consequence: missense variant. On other transcripts: intron variant (1).
Genome position (GRCh38, 1-based): chr11:118,339,864, C>T on the plus strand (G>A on the coding strand, the complement: CD3D is on the minus strand). VCF-style: chr11-118339864-C-T. GRCh37 (hg19) VCF-style: chr11-118210579-C-T.
Other names: c.275-370G>A (NM_001040651.2); short protein forms G106D.
Identifiers: ClinVar variation 840028 (VCV000840028.7), dbSNP rs996998665, ClinGen allele CA229522409.